The following is an entry in ClinVar:

ClinVar aggregate classification (germline): Benign. Review status: criteria provided, multiple submitters, no conflicts (2 of 4 stars). 11 submissions from 11 submitters: Benign (8). 3 of the submissions do not count toward it. Last evaluated 2026-02-04.

Conditions:
Merosin deficient congenital muscular dystrophy (MDC1A). Also called: Congenital merosin-deficient muscular dystrophy 1A; Congenital Muscular Dystrophy Type 1A (MDC1A). Identifiers: Orphanet 258, MedGen C1263858, MONDO:0011925, OMIM 607855.
Congenital muscular dystrophy due to partial LAMA2 deficiency. Identifiers: MedGen C1842898.
LAMA2-related muscular dystrophy (LAMA2-RD). Also called: Laminin alpha 2-related dystrophy. Identifiers: MedGen C5679788, MONDO:0100228.

Allele frequency attached by ClinVar (database versions not stated): gnomAD exomes 0.07026 and 0.08717; ESP Exome Variant Server 0.08081; gnomAD 0.08650 and 0.08746; TOPMed 0.08666; ExAC 0.09254; 1000 Genomes Project 30x 0.10899; 1000 Genomes Project 0.11162.
gnomAD v4.1: 115,904 of 1,605,722 alleles (7.2%); highest among the groups gnomAD compares: East Asian, 16%; 4,812 homozygotes.

Submissions (11):

Labcorp Genetics (formerly Invitae), Labcorp
Classification: Benign for LAMA2-related muscular dystrophy. Last evaluated: 2026-02-04. Review status: criteria provided, single submitter. Criteria: Invitae Variant Classification Sherloc (09022015). Collection method: clinical testing. Allele origin: germline.

Blueprint Genetics
Classification: Benign. Last evaluated: 2024-11-26. Review status: criteria provided, single submitter. Criteria: ACMG Guidelines, 2015. Collection method: clinical testing. Allele origin: germline.

Mayo Clinic Laboratories, Mayo Clinic
Classification: Benign. Last evaluated: 2018-03-12. Review status: criteria provided, single submitter. Criteria: ACMG Guidelines, 2015. Collection method: clinical testing. Allele origin: germline. Observed: 398 variant alleles.

Illumina Laboratory Services, Illumina
Classification: Benign for Congenital muscular dystrophy due to partial LAMA2 deficiency. Last evaluated: 2018-01-13. Review status: criteria provided, single submitter. Criteria: ICSL Variant Classification Criteria 13 December 2019. Collection method: clinical testing. Allele origin: germline.
Comment: This variant was observed in the ICSL laboratory as part of a predisposition screen in an ostensibly healthy population. It had not been previously curated by ICSL or reported in the Human Gene Mutation Database (HGMD: prior to June 1st, 2018), and was therefore a candidate for classification through an automated scoring system. Utilizing variant allele frequency, disease prevalence and penetrance estimates, and inheritance mode, an automated score was calculated to assess if this variant is too frequent to cause the disease. Based on the score and internal cut-off values, a variant classified as benign is not then subjected to further curation. The score for this variant resulted in a classification of benign for this disease.

GeneDx
Classification: Benign. Last evaluated: 2016-01-28. Review status: criteria provided, single submitter. Criteria: GeneDx Variant Classification (06012015). Collection method: clinical testing. Allele origin: germline. Affected: yes.
Comment: This variant is considered likely benign or benign based on one or more of the following criteria: it is a conservative change, it occurs at a poorly conserved position in the protein, it is predicted to be benign by multiple in silico algorithms, and/or has population frequency not consistent with disease.

Eurofins Ntd Llc (ga)
Classification: Benign. Last evaluated: 2016-01-20. Review status: criteria provided, single submitter. Criteria: EGL Classification Definitions 2015. Collection method: clinical testing. Allele origin: germline. Observed: 10 variant alleles, 9 heterozygotes, 1 homozygote.

Genetic Services Laboratory, University of Chicago
Classification: Benign for AllHighlyPenetrant. Last evaluated: 2013-08-15. Review status: criteria provided, single submitter. Criteria: ACMG Guidelines, 2007. Collection method: clinical testing. Allele origin: germline. Inheritance: Autosomal recessive inheritance.

PreventionGenetics, part of Exact Sciences
Classification: Benign. Review status: criteria provided, single submitter. Criteria: ACMG Guidelines, 2015. Collection method: clinical testing. Allele origin: germline.

Clinical Genetics, Academic Medical Center
Classification: Benign. Review status: no assertion criteria provided. Collection method: clinical testing. Allele origin: germline. Affected: yes. Study: VKGL Data-share Consensus. Not counted in ClinVar's aggregate classification.

Diagnostic Laboratory, Department of Genetics, University Medical Center Groningen
Classification: Benign for Merosin deficient congenital muscular dystrophy. Review status: no assertion criteria provided. Collection method: clinical testing. Allele origin: germline. Affected: yes. Study: VKGL Data-share Consensus. Not counted in ClinVar's aggregate classification.

Joint Genome Diagnostic Labs from Nijmegen and Maastricht, Radboudumc and MUMC+
Classification: Benign. Review status: no assertion criteria provided. Collection method: clinical testing. Allele origin: germline. Affected: yes. Study: VKGL Data-share Consensus. Not counted in ClinVar's aggregate classification.

NM_000426.4(LAMA2):c.7906A>G (p.Thr2636Ala)

Gene: LAMA2 (laminin subunit alpha 2; plus strand). Cytogenetic location: 6q22.33.
Variant type: single nucleotide variant.
Coding change: c.7906A>G on transcript NM_000426.4 (MANE Select); coding-DNA position 7906, A replaced by G.
Protein change: p.Thr2636Ala; replaces threonine 2636 with alanine.
Molecular consequence: missense variant.
Genome position (GRCh38, 1-based): chr6:129,491,908, A>G. VCF-style: chr6-129491908-A-G. GRCh37 (hg19) VCF-style: chr6-129813053-A-G.
Other names: c.7894A>G, p.Thr2632Ala (NM_001079823.2); short protein forms T2632A.
Identifiers: ClinVar variation 92989 (VCV000092989.28), dbSNP rs2244008, ClinGen allele CA146157.